The following is an entry in ClinVar:

ClinVar aggregate classification (germline): Pathogenic (1 of 4 stars; one submission).

Conditions:
Charcot-Marie-Tooth disease type 2. Also called: Charcot-Marie-Tooth type 2. Identifiers: Orphanet 64746, MedGen C0270914, MONDO:0018993.

Submission:

Labcorp Genetics (formerly Invitae), Labcorp
Classification: Pathogenic for Charcot-Marie-Tooth disease type 2. Last evaluated: 2024-11-23. Review status: criteria provided, single submitter. Criteria: Invitae Variant Classification Sherloc (09022015). Collection method: clinical testing. Allele origin: germline.
Comment: This sequence change affects a donor splice site in intron 7 of the LMNA gene. It is expected to disrupt RNA splicing. Variants that disrupt the donor or acceptor splice site typically lead to a loss of protein function (PMID: 16199547), and loss-of-function variants in LMNA are known to be pathogenic (PMID: 18585512, 18926329). This variant is not present in population databases (gnomAD no frequency). Disruption of this splice site has been observed in individuals with laminopathies (PMID: 18035086, 22326558). ClinVar contains an entry for this variant (Variation ID: 543244). Algorithms developed to predict the effect of sequence changes on RNA splicing suggest that this variant may disrupt the consensus splice site. For these reasons, this variant has been classified as Pathogenic.

Literature cited by the submitters: PubMed 16199547; PubMed 18585512; PubMed 18926329; PubMed 18035086; PubMed 22326558.

NM_170707.4(LMNA):c.1380+2T>G

Gene: LMNA (lamin A/C; plus strand). Cytogenetic location: 1q22.
Variant type: single nucleotide variant.
Coding change: c.1380+2T>G on transcript NM_170707.4 (MANE Select); the canonical splice donor site of the intron after coding-DNA position 1380, T replaced by G.
Molecular consequence: splice donor variant.
Genome position (GRCh38, 1-based): chr1:156,136,438, T>G. VCF-style: chr1-156136438-T-G. GRCh37 (hg19) VCF-style: chr1-156106229-T-G.
Other names: c.822+2T>G (NM_001407002.1, NM_001406993.1, NM_001407003.1 and 4 more transcripts); c.1380+2T>G (NM_001406991.1, NM_001406992.1, NM_001406985.1 and 6 more transcripts); c.756+2T>G (NM_001406999.1, NM_001407000.1, NM_001406994.1 and 1 more transcripts); c.1137+2T>G (NM_001406986.1, NM_001406987.1, NM_001282624.2); c.1044+2T>G (NM_001406989.1, NM_001257374.3, NM_001406998.1); c.1083+2T>G (NM_001406988.1).
Identifiers: ClinVar variation 543244 (VCV000543244.7), dbSNP rs1553265924, ClinGen allele CA342822325.
Genomic context (GRCh38, chr1:156,136,438, plus strand): 5'-CCGTGGAGGAGGTGGATGAGGAGGGCAAGTTTGTCCGGCTGCGCAACAAGTCCAATGAGG[T>G]AGGCTCCTGCTCAGGGTCTAAGGGGATACAGCTGCATCAGGGAGAGAGTGGCAAGACAGA-3'